The following is an entry in ClinVar:

NM_001352027.3(PHF21A):c.1556C>T (p.Pro519Leu)

Gene: PHF21A (PHD finger protein 21A; minus strand). Cytogenetic location: 11p11.2.
Variant type: single nucleotide variant.
Coding change: c.1556C>T on transcript NM_001352027.3 (MANE Select); coding-DNA position 1556, C replaced by T.
Protein change: p.Pro519Leu; replaces proline 519 with leucine.
Molecular consequence: missense variant. On other transcripts: non-coding transcript variant (2).
Genome position (GRCh38, 1-based): chr11:45,938,209, G>A on the plus strand (C>T on the coding strand, the complement: PHF21A is on the minus strand). VCF-style: chr11-45938209-G-A. GRCh37 (hg19) VCF-style: chr11-45959760-G-A.
Other names: c.1553C>T, p.Pro518Leu (NM_001101802.3); c.1556C>T, p.Pro519Leu (NM_001352025.3, NM_001352026.3); c.1415C>T, p.Pro472Leu (NM_001352028.1, NM_001352029.1, NM_016621.5); c.1412C>T, p.Pro471Leu (NM_001352030.3, NM_001352031.3, NM_001352032.3); short protein forms P471L, P472L, P518L, P519L.
Identifiers: ClinVar variation 2662527 (VCV002662527.1), dbSNP rs1197331615, ClinGen allele CA380256684.
Genomic context (GRCh38, chr11:45,938,209, plus strand): 5'-CACAGTACCTGGTCCTGACATCTGGGACAGATCCACATGCCCTTGGGAATTGTTTTCAGA[G>A]GGGGGTCTAAGCAGTCCAAATGATATACACGGGAACATGTGTCGCACATCAGTAACTGGC-3'
Protein context (NP_001338956.1, residues 509-529): RVYHLDCLDP[Pro519Leu]LKTIPKGMWI

ClinVar aggregate classification (germline): Uncertain significance (1 of 4 stars; one submission).

Submission:

GeneDx
Classification: Uncertain significance. Last evaluated: 2023-04-09. Review status: criteria provided, single submitter. Criteria: GeneDx Variant Classification Process June 2021. Collection method: clinical testing. Allele origin: germline. Affected: yes.
Comment: Not observed at significant frequency in large population cohorts (gnomAD); In silico analysis supports that this missense variant has a deleterious effect on protein structure/function; Has not been previously published as pathogenic or benign to our knowledge